The following is an entry in ClinVar:

NM_181507.2(HPS5):c.477+4A>G

Gene: HPS5 (HPS5 biogenesis of lysosomal organelles complex 2 subunit 2; minus strand). Cytogenetic location: 11p15.1.
Variant type: single nucleotide variant.
Coding change: c.477+4A>G on transcript NM_181507.2 (MANE Select); 4 bases into the intron after coding-DNA position 477, A replaced by G.
Molecular consequence: intron variant.
Genome position (GRCh38, 1-based): chr11:18,310,737, T>C on the plus strand (A>G on the coding strand, the complement: HPS5 is on the minus strand). VCF-style: chr11-18310737-T-C. GRCh37 (hg19) VCF-style: chr11-18332284-T-C.
Other names: c.135+4A>G (NM_001440929.1, NM_181508.2, NM_001440921.1 and 10 more transcripts); c.366+4A>G (NM_001440915.1, NM_001440914.1, NM_001440913.1); c.477+4A>G (NM_001440931.1, NM_001440917.1, NM_001440906.1 and 6 more transcripts); c.402+4A>G (NM_001440907.1, NM_001440909.1, NM_001440908.1); c.291+4A>G (NM_001440918.1).
Identifiers: ClinVar variation 2062943 (VCV002062943.4), dbSNP rs2494186858, ClinGen allele CA2580082917.
Genomic context (GRCh38, chr11:18,310,737, plus strand): 5'-GGAAGTTTTATAAGACAACACCTTGTATCTCACTACATACACAAAGAATGGGACTGCTTC[T>C]CACCTTTGCTTGTTTAGAAGTATTGAGTTTGATAGCAGAAACCTTCCCAGCATGATCACC-3'

ClinVar aggregate classification (germline): Uncertain significance (1 of 4 stars; one submission).

Submission:

Labcorp Genetics (formerly Invitae), Labcorp
Classification: Uncertain significance. Last evaluated: 2022-01-18. Review status: criteria provided, single submitter. Criteria: Invitae Variant Classification Sherloc (09022015). Collection method: clinical testing. Allele origin: germline.
Comment: In summary, the available evidence is currently insufficient to determine the role of this variant in disease. Therefore, it has been classified as a Variant of Uncertain Significance. Variants that disrupt the consensus splice site are a relatively common cause of aberrant splicing (PMID: 17576681, 9536098). Algorithms developed to predict the effect of sequence changes on RNA splicing suggest that this variant may disrupt the consensus splice site. This variant has not been reported in the literature in individuals affected with HPS5-related conditions. This variant is not present in population databases (gnomAD no frequency). This sequence change falls in intron 5 of the HPS5 gene. It does not directly change the encoded amino acid sequence of the HPS5 protein. It affects a nucleotide within the consensus splice site.

Literature cited by the submitters: PubMed 17576681; PubMed 9536098.